The following is an entry in ClinVar:

NM_015662.3(IFT172):c.3465G>C (p.Glu1155Asp)

Gene: IFT172 (intraflagellar transport 172; minus strand). Cytogenetic location: 2p23.3.
Variant type: single nucleotide variant.
Coding change: c.3465G>C on transcript NM_015662.3 (MANE Select); coding-DNA position 3465, G replaced by C.
Protein change: p.Glu1155Asp; replaces glutamic acid 1155 with aspartic acid.
Molecular consequence: missense variant.
Genome position (GRCh38, 1-based): chr2:27,454,567, C>G on the plus strand (G>C on the coding strand, the complement: IFT172 is on the minus strand). VCF-style: chr2-27454567-C-G. GRCh37 (hg19) VCF-style: chr2-27677434-C-G.
Other names: short protein forms E1155D.
Identifiers: ClinVar variation 1010794 (VCV001010794.10), dbSNP rs935403723, ClinGen allele CA44490908.

ClinVar aggregate classification (germline): Uncertain significance. Review status: criteria provided, multiple submitters, no conflicts (2 of 4 stars). 2 submissions from 2 submitters: Uncertain significance (2). Last evaluated 2022-01-17.

Conditions:
Retinitis pigmentosa 71 (RP71). Identifiers: Orphanet 791, MedGen C4225342, MONDO:0014618, OMIM 616394.
Short-rib thoracic dysplasia 10 with or without polydactyly (SRTD10). Identifiers: Orphanet 474, MedGen C3810175, MONDO:0014284, OMIM 615630.
Bardet-Biedl syndrome 20. Identifiers: MedGen C4310707, MONDO:0023670, OMIM 619471, MONDO:0014926.

gnomAD v4.1: 3 of 1,614,022 alleles (0.00019%); highest among the groups gnomAD compares: Non-Finnish European, 0.00025%; no homozygotes.

Submissions (2):

Fulgent Genetics
Classification: Uncertain significance for Short-rib thoracic dysplasia 10 with or without polydactyly; Retinitis pigmentosa 71; Bardet-Biedl syndrome 20. Last evaluated: 2022-01-17. Review status: criteria provided, single submitter. Criteria: ACMG Guidelines, 2015. Collection method: clinical testing. Allele origin: unknown.

Labcorp Genetics (formerly Invitae), Labcorp
Classification: Uncertain significance for Retinitis pigmentosa 71; Short-rib thoracic dysplasia 10 with or without polydactyly. Last evaluated: 2020-01-23. Review status: criteria provided, single submitter. Criteria: Invitae Variant Classification Sherloc (09022015). Collection method: clinical testing. Allele origin: germline.
Comment: In summary, the available evidence is currently insufficient to determine the role of this variant in disease. Therefore, it has been classified as a Variant of Uncertain Significance. Nucleotide substitutions within the consensus splice site are a relatively common cause of aberrant splicing (PMID: 17576681, 9536098). Algorithms developed to predict the effect of sequence changes on RNA splicing suggest that this variant may disrupt the consensus splice site, but this prediction has not been confirmed by published transcriptional studies. Algorithms developed to predict the effect of missense changes on protein structure and function are either unavailable or do not agree on the potential impact of this missense change (SIFT: "Deleterious"; PolyPhen-2: "Benign"; Align-GVGD: "Class C0"). This variant has not been reported in the literature in individuals with IFT172-related conditions. This variant is not present in population databases (ExAC no frequency). This sequence change replaces glutamic acid with aspartic acid at codon 1155 of the IFT172 protein (p.Glu1155Asp). The glutamic acid residue is highly conserved and there is a small physicochemical difference between glutamic acid and aspartic acid. This variant also falls at the last nucleotide of exon 31 of the IFT172 coding sequence, which is part of the consensus splice site for this exon.

Literature cited by the submitters: PubMed 17576681 (cited by Labcorp Genetics (formerly Invitae), Labcorp); PubMed 9536098 (cited by Labcorp Genetics (formerly Invitae), Labcorp).